The following is an entry in ClinVar:

ClinVar aggregate classification (germline): Uncertain significance (1 of 4 stars; one submission).

Conditions:
Inborn genetic diseases. Identifiers: MedGen C0950123, MeSH D030342.

Submission:

Ambry Genetics
Classification: Uncertain significance for Inborn genetic diseases. Last evaluated: 2025-04-20. Review status: criteria provided, single submitter. Criteria: Ambry Variant Classification Scheme 2023. Collection method: clinical testing. Allele origin: germline.
Comment: The p.V1216A variant (also known as c.3647T>C), located in coding exon 13 of the ASXL1 gene, results from a T to C substitution at nucleotide position 3647. The valine at codon 1216 is replaced by alanine, an amino acid with similar properties. This amino acid position is conserved. In addition, this alteration is predicted to be tolerated by in silico analysis. Based on the available evidence, the clinical significance of this variant remains unclear.

NM_015338.6(ASXL1):c.3647T>C (p.Val1216Ala)

Gene: ASXL1 (ASXL transcriptional regulator 1; plus strand). Cytogenetic location: 20q11.21.
Variant type: single nucleotide variant.
Coding change: c.3647T>C on transcript NM_015338.6 (MANE Select); coding-DNA position 3647, T replaced by C.
Protein change: p.Val1216Ala; replaces valine 1216 with alanine.
Molecular consequence: missense variant.
Genome position (GRCh38, 1-based): chr20:32,436,359, T>C. VCF-style: chr20-32436359-T-C. GRCh37 (hg19) VCF-style: chr20-31024162-T-C.
Other names: c.3464T>C, p.Val1155Ala (NM_001363734.1); short protein forms V1216A, V1155A.
Identifiers: ClinVar variation 3956354 (VCV003956354.1).